The following is an entry in ClinVar:

ClinVar aggregate classification (germline): Uncertain significance. Review status: criteria provided, multiple submitters, no conflicts (2 of 4 stars). 2 submissions from 2 submitters: Uncertain significance (2). Last evaluated 2023-03-02.

Conditions:
Inborn genetic diseases. Identifiers: MedGen C0950123, MeSH D030342.

Allele frequency attached by ClinVar (database versions not stated): gnomAD exomes below 0.00001; TOPMed 0.00001; gnomAD 0.00003 and 0.00004.
gnomAD v4.1: 9 of 1,609,888 alleles (0.00056%); highest among the groups gnomAD compares: Non-Finnish European, 0.00076%; no homozygotes.

Submissions (2):

Ambry Genetics
Classification: Uncertain significance for Inborn genetic diseases. Last evaluated: 2023-03-02. Review status: criteria provided, single submitter. Criteria: Ambry Variant Classification Scheme 2023. Collection method: clinical testing. Allele origin: germline.

Labcorp Genetics (formerly Invitae), Labcorp
Classification: Uncertain significance. Last evaluated: 2021-07-08. Review status: criteria provided, single submitter. Criteria: Invitae Variant Classification Sherloc (09022015). Collection method: clinical testing. Allele origin: germline.
Comment: This sequence change replaces threonine with methionine at codon 458 of the DVL1 protein (p.Thr458Met). The threonine residue is moderately conserved and there is a moderate physicochemical difference between threonine and methionine. This variant is not present in population databases (ExAC no frequency). This variant has not been reported in the literature in individuals with DVL1-related conditions. Algorithms developed to predict the effect of missense changes on protein structure and function are either unavailable or do not agree on the potential impact of this missense change (SIFT: "Deleterious"; PolyPhen-2: "Probably Damaging"; Align-GVGD: "Class C0"). In summary, the available evidence is currently insufficient to determine the role of this variant in disease. Therefore, it has been classified as a Variant of Uncertain Significance.

NM_001330311.2(DVL1):c.1448C>T (p.Thr483Met)

Gene: DVL1 (dishevelled segment polarity protein 1; minus strand). Cytogenetic location: 1p36.33.
Variant type: single nucleotide variant.
Coding change: c.1448C>T on transcript NM_001330311.2 (MANE Select); coding-DNA position 1448, C replaced by T.
Protein change: p.Thr483Met; replaces threonine 483 with methionine.
Molecular consequence: missense variant.
Genome position (GRCh38, 1-based): chr1:1,338,328, G>A on the plus strand (C>T on the coding strand, the complement: DVL1 is on the minus strand). VCF-style: chr1-1338328-G-A. GRCh37 (hg19) VCF-style: chr1-1273708-G-A.
Other names: c.1373C>T, p.Thr458Met (NM_004421.3); c.1373C>T (NM_004421.2); short protein forms T458M, T483M.
Identifiers: ClinVar variation 1439964 (VCV001439964.9), dbSNP rs1329117789, ClinGen allele CA337861241.